The following is an entry in ClinVar:

NM_020937.4(FANCM):c.4643A>G (p.Asp1548Gly)

Gene: FANCM (FA complementation group M; plus strand). Cytogenetic location: 14q21.2.
Variant type: single nucleotide variant.
Coding change: c.4643A>G on transcript NM_020937.4 (MANE Select); coding-DNA position 4643, A replaced by G.
Protein change: p.Asp1548Gly; replaces aspartic acid 1548 with glycine.
Molecular consequence: missense variant.
Genome position (GRCh38, 1-based): chr14:45,185,344, A>G. VCF-style: chr14-45185344-A-G. GRCh37 (hg19) VCF-style: chr14-45654547-A-G.
Other names: c.4565A>G, p.Asp1522Gly (NM_001308133.2); short protein forms D1522G, D1548G.
Identifiers: ClinVar variation 2417149 (VCV002417149.4), dbSNP rs1236313761, ClinGen allele CA389608347.
Genomic context (GRCh38, chr14:45,185,344, plus strand): 5'-CAGATGAAAATGATGAGTCAGAAAATGAACAAGATTCCTCATTACTTGACTTTTTAAATG[A>G]TGAAACTCAACTTTCACAGGCTATAAATGGTAAATGTTATAATGATCCTTAAAATTTTTT-3'
Protein context (NP_065988.1, residues 1538-1558): QDSSLLDFLN[Asp1548Gly]ETQLSQAIND

ClinVar aggregate classification (germline): Uncertain significance. Review status: criteria provided, multiple submitters, no conflicts (2 of 4 stars). 2 submissions from 2 submitters: Uncertain significance (2). Last evaluated 2025-02-16.

Conditions:
Fanconi anemia (FA). Also called: Fanconi's anemia. Identifiers: Orphanet 84, MedGen C0015625, MeSH D005199, MONDO:0019391.
Inborn genetic diseases. Identifiers: MedGen C0950123, MeSH D030342.

Allele frequency attached by ClinVar (database versions not stated): gnomAD exomes 0.00001.
gnomAD v4.1: 9 of 1,594,674 alleles (0.00056%); highest among the groups gnomAD compares: South Asian, 0.0068%; no homozygotes.

Submissions (2):

Ambry Genetics
Classification: Uncertain significance for Inborn genetic diseases. Last evaluated: 2025-02-16. Review status: criteria provided, single submitter. Criteria: Ambry Variant Classification Scheme 2023. Collection method: clinical testing. Allele origin: germline.
Comment: The p.D1548G variant (also known as c.4643A>G), located in coding exon 18 of the FANCM gene, results from an A to G substitution at nucleotide position 4643. The aspartic acid at codon 1548 is replaced by glycine, an amino acid with similar properties. This amino acid position is conserved. In addition, the in silico prediction for this alteration is inconclusive. Based on the available evidence, the clinical significance of this variant remains unclear.

Labcorp Genetics (formerly Invitae), Labcorp
Classification: Uncertain significance for Fanconi anemia. Last evaluated: 2022-08-20. Review status: criteria provided, single submitter. Criteria: Invitae Variant Classification Sherloc (09022015). Collection method: clinical testing. Allele origin: germline.
Comment: This sequence change replaces aspartic acid, which is acidic and polar, with glycine, which is neutral and non-polar, at codon 1548 of the FANCM protein (p.Asp1548Gly). This variant is present in population databases (no rsID available, gnomAD 0.007%). This variant has not been reported in the literature in individuals affected with FANCM-related conditions. Algorithms developed to predict the effect of missense changes on protein structure and function are either unavailable or do not agree on the potential impact of this missense change (SIFT: "Deleterious"; PolyPhen-2: "Probably Damaging"; Align-GVGD: "Class C0"). In summary, the available evidence is currently insufficient to determine the role of this variant in disease. Therefore, it has been classified as a Variant of Uncertain Significance.